The following is an entry in ClinVar:

NM_001200.4(BMP2):c.1007A>G (p.His336Arg)

Gene: BMP2 (bone morphogenetic protein 2; plus strand). Cytogenetic location: 20p12.3.
Variant type: single nucleotide variant.
Coding change: c.1007A>G on transcript NM_001200.4 (MANE Select); coding-DNA position 1007, A replaced by G.
Protein change: p.His336Arg; replaces histidine 336 with arginine.
Molecular consequence: missense variant.
Genome position (GRCh38, 1-based): chr20:6,778,905, A>G. VCF-style: chr20-6778905-A-G. GRCh37 (hg19) VCF-style: chr20-6759552-A-G.
Other names: chr20-6759552 A>G; p.His336Arg; short protein forms H336R.
Identifiers: ClinVar variation 4890658 (VCV004890658.1).

ClinVar aggregate classification (germline): Uncertain significance (1 of 4 stars; one submission).

Conditions:
Short stature, facial dysmorphism, and skeletal anomalies with or without cardiac anomalies 1. Identifiers: MedGen C5542952, MONDO:0100297, OMIM 617877.

Submission:

Sadaf Naz Human Genetics Laboratory, University of the Punjab
Classification: Uncertain significance for Short stature, facial dysmorphism, and skeletal anomalies with or without cardiac anomalies 1. Review status: criteria provided, single submitter. Criteria: ACMG Guidelines, 2015. Collection method: research. Allele origin: inherited. Inheritance: Autosomal recessive inheritance. Affected: yes. Observed: 3 variant alleles, 1 heterozygote, 2 homozygotes. Clinical features observed: Skeletal dysplasia (HP:0002652), Short stature (HP:0004322), Hearing impairment (HP:0000365), Developmental dysplasia of the hip (HP:0001385), Scoliosis (HP:0002650).
Comment: The homozygous BMP2 variant 1007A>G, p.(His336Arg), was identified in a Pakistani family having two patients with short stature and skeletal dysplasia. Two affected individuals were homozygous for the variant, whereas an unaffected carrier sister was of normal height without any skeletal abnormalities. Functional analysis using the MC3T3 cell line provided evidence supporting the pathogenicity of the variant. The variant is predicted to result in loss of BMP2 function, consistent with the observed skeletal phenotype.